The following is an entry in ClinVar:

ClinVar aggregate classification (germline): Uncertain significance. Review status: criteria provided, multiple submitters, no conflicts (2 of 4 stars). 2 submissions from 2 submitters: Uncertain significance (2). Last evaluated 2025-03-16.

Conditions:
Dilated cardiomyopathy 1Z (CMD1Z). Identifiers: Orphanet 154, MedGen C2678475, MONDO:0012745, OMIM 611879.
Hypertrophic cardiomyopathy 13. Also called: TNNC1-Related Familial Hypertrophic Cardiomyopathy. Identifiers: MedGen C2750472, MONDO:0013195, OMIM 613243.

Submissions (2):

Labcorp Genetics (formerly Invitae), Labcorp
Classification: Uncertain significance for Hypertrophic cardiomyopathy 13; Dilated cardiomyopathy 1Z. Last evaluated: 2025-03-16. Review status: criteria provided, single submitter. Criteria: Invitae Variant Classification Sherloc (09022015). Collection method: clinical testing. Allele origin: germline.
Comment: This sequence change replaces glutamic acid, which is acidic and polar, with aspartic acid, which is acidic and polar, at codon 95 of the TNNC1 protein (p.Glu95Asp). This variant is not present in population databases (gnomAD no frequency). This variant has not been reported in the literature in individuals affected with TNNC1-related conditions. ClinVar contains an entry for this variant (Variation ID: 1484006). An algorithm developed to predict the effect of missense changes on protein structure and function (PolyPhen-2) suggests that this variant is likely to be tolerated. In summary, the available evidence is currently insufficient to determine the role of this variant in disease. Therefore, it has been classified as a Variant of Uncertain Significance.

Women's Health and Genetics/Laboratory Corporation of America, LabCorp
Classification: Uncertain significance. Last evaluated: 2023-08-08. Review status: criteria provided, single submitter. Criteria: LabCorp Variant Classification Summary - May 2015. Collection method: clinical testing. Allele origin: germline.

NM_003280.3(TNNC1):c.285G>T (p.Glu95Asp)

Gene: TNNC1 (troponin C1, slow skeletal and cardiac type; minus strand). Cytogenetic location: 3p21.1.
Variant type: single nucleotide variant.
Coding change: c.285G>T on transcript NM_003280.3 (MANE Select); coding-DNA position 285, G replaced by T.
Protein change: p.Glu95Asp; replaces glutamic acid 95 with aspartic acid.
Molecular consequence: missense variant.
Genome position (GRCh38, 1-based): chr3:52,451,776, C>A on the plus strand (G>T on the coding strand, the complement: TNNC1 is on the minus strand). VCF-style: chr3-52451776-C-A. GRCh37 (hg19) VCF-style: chr3-52485792-C-A.
Other names: c.285G>T (NM_003280.2); short protein forms E95D.
Identifiers: ClinVar variation 1484006 (VCV001484006.9), dbSNP rs2153229927, ClinGen allele CA353167124.